The following is an entry in ClinVar:

NM_138636.5(TLR8):c.2810A>G (p.Asn937Ser)

Genes: TLR8 (toll like receptor 8; plus strand), TLR8-AS1 (TLR8 antisense RNA 1; minus strand). Cytogenetic location: Xp22.2.
Variant type: single nucleotide variant.
Coding change: c.2810A>G on transcript NM_138636.5 (MANE Select); coding-DNA position 2810, A replaced by G.
Protein change: p.Asn937Ser; replaces asparagine 937 with serine.
Molecular consequence: missense variant.
Genome position (GRCh38, 1-based): chrX:12,921,850, A>G. VCF-style: chrX-12921850-A-G. GRCh37 (hg19) VCF-style: chrX-12939969-A-G.
Other names: c.2864A>G, p.Asn955Ser (NM_016610.4); short protein forms N937S, N955S.
Identifiers: ClinVar variation 4185318 (VCV004185318.3).

ClinVar aggregate classification (germline): Uncertain significance. Review status: criteria provided, multiple submitters, no conflicts (2 of 4 stars). 2 submissions from 2 submitters: Uncertain significance (2). Last evaluated 2025-09-10.

gnomAD v4.1: 12 of 1,210,511 alleles (0.00099%); highest among the groups gnomAD compares: East Asian, 0.021%; no homozygotes.

Submissions (2):

Ambry Genetics
Classification: Uncertain significance. Last evaluated: 2025-09-10. Review status: criteria provided, single submitter. Criteria: Ambry Variant Classification Scheme 2023. Collection method: clinical testing. Allele origin: germline.

Dasa
Classification: Uncertain significance. Last evaluated: 2024-10-28. Review status: criteria provided, single submitter. Criteria: DASA Assertion Criteria. Collection method: clinical testing. Allele origin: germline.
Comment: NM_138636.5(TLR8):c.2810A>G (p.Asn937Ser) is a missense variant that results in the substitution of asparagine with serine. This variant is rare in population databases. Computational prediction algorithms are consistent with a benign effect. The currently available literature and clinical evidence are not sufficient to establish a definitive association between this variant and the reported condition. Therefore, this variant is classified as a variant of uncertain significance.